The following is an entry in ClinVar:

NM_012179.4(FBXO7):c.155A>G (p.Tyr52Cys)

Gene: FBXO7 (F-box protein 7; plus strand). Cytogenetic location: 22q12.3.
Variant type: single nucleotide variant.
Coding change: c.155A>G on transcript NM_012179.4 (MANE Select); coding-DNA position 155, A replaced by G.
Protein change: p.Tyr52Cys; replaces tyrosine 52 with cysteine.
Molecular consequence: missense variant. On other transcripts: 5 prime UTR variant (1), intron variant (1).
Genome position (GRCh38, 1-based): chr22:32,479,013, A>G. VCF-style: chr22-32479013-A-G. GRCh37 (hg19) VCF-style: chr22-32875000-A-G.
Other names: c.-188A>G (NM_001257990.2); c.38-120A>G (NM_001033024.2); short protein forms Y52C.
Identifiers: ClinVar variation 901597 (VCV000901597.13), dbSNP rs550610502, ClinGen allele CA10201366.

ClinVar aggregate classification (germline): Likely benign. Review status: criteria provided, multiple submitters, no conflicts (2 of 4 stars). 3 submissions from 3 submitters: Likely benign (3). Last evaluated 2025-12-08.

Conditions:
Parkinsonian-pyramidal syndrome. Also called: PALLIDOPYRAMIDAL SYNDROME; PARKINSON DISEASE 15, AUTOSOMAL RECESSIVE EARLY-ONSET; PARKINSON DISEASE 15, AUTOSOMAL RECESSIVE. Identifiers: Orphanet 171695, MedGen C1850100, MONDO:0009830, OMIM 260300.

Allele frequency attached by ClinVar (database versions not stated): gnomAD exomes 0.00013 and 0.00041; gnomAD 0.00016 and 0.00023; TOPMed 0.00037; ExAC 0.00044; 1000 Genomes Project 30x 0.00094; 1000 Genomes Project 0.00120.
gnomAD v4.1: 227 of 1,614,228 alleles (0.014%); highest among the groups gnomAD compares: East Asian, 0.34%; no homozygotes.

Submissions (3):

Labcorp Genetics (formerly Invitae), Labcorp
Classification: Likely benign for Parkinsonian-pyramidal syndrome. Last evaluated: 2025-12-08. Review status: criteria provided, single submitter. Criteria: Invitae Variant Classification Sherloc (09022015). Collection method: clinical testing. Allele origin: germline.

GeneDx
Classification: Likely benign. Last evaluated: 2018-12-31. Review status: criteria provided, single submitter. Criteria: GeneDx Variant Classification Process June 2021. Collection method: clinical testing. Allele origin: germline. Affected: yes.
Comment: See Variant Classification Assertion Criteria.

Illumina Laboratory Services, Illumina
Classification: Likely benign for Parkinsonian-pyramidal syndrome. Last evaluated: 2017-04-27. Review status: criteria provided, single submitter. Criteria: ICSL Variant Classification Criteria 13 December 2019. Collection method: clinical testing. Allele origin: germline.
Comment: This variant was observed as part of a predisposition screen in an ostensibly healthy population. A literature search was performed for the gene, cDNA change, and amino acid change (where applicable). Publications were found based on this search. The evidence from the literature, in combination with allele frequency data from public databases where available, was sufficient to determine this variant is unlikely to cause disease. Therefore, this variant is classified as likely benign.

Literature cited by the submitters: PubMed 25029497 (cited by Illumina Laboratory Services, Illumina); PubMed 20603184 (cited by Illumina Laboratory Services, Illumina).